The following is an entry in ClinVar:

ClinVar aggregate classification (germline): Uncertain significance (1 of 4 stars; one submission).

Submission:

Ambry Genetics
Classification: Uncertain significance. Last evaluated: 2025-04-18. Review status: criteria provided, single submitter. Criteria: Ambry Variant Classification Scheme 2023. Collection method: clinical testing. Allele origin: germline.
Comment: The p.K189N variant (also known as c.567G>T), located in coding exon 4 of the RNF43 gene, results from a G to T substitution at nucleotide position 567. The lysine at codon 189 is replaced by asparagine, an amino acid with similar properties. This amino acid position is conserved. In addition, this alteration is predicted to be tolerated by in silico analysis. Based on the available evidence, the clinical significance of this variant remains unclear.

NM_017763.6(RNF43):c.567G>T (p.Lys189Asn)

Gene: RNF43 (ring finger protein 43; minus strand). Cytogenetic location: 17q22.
Variant type: single nucleotide variant.
Coding change: c.567G>T on transcript NM_017763.6 (MANE Select); coding-DNA position 567, G replaced by T.
Protein change: p.Lys189Asn; replaces lysine 189 with asparagine.
Molecular consequence: missense variant.
Genome position (GRCh38, 1-based): chr17:58,363,290, C>A on the plus strand (G>T on the coding strand, the complement: RNF43 is on the minus strand). VCF-style: chr17-58363290-C-A. GRCh37 (hg19) VCF-style: chr17-56440651-C-A.
Other names: c.567G>T, p.Lys189Asn (NM_001305544.3); c.186G>T, p.Lys62Asn (NM_001305545.2); short protein forms K62N, K189N.
Identifiers: ClinVar variation 3946860 (VCV003946860.1).